The following is an entry in ClinVar:

NM_001297.5(CNGB1):c.1536-41_1552del

Gene: CNGB1 (cyclic nucleotide gated channel subunit beta 1; minus strand). Cytogenetic location: 16q21.
Variant type: Deletion.
Coding change: c.1536-41_1552del on transcript NM_001297.5 (MANE Select); 41 bases into the intron before coding-DNA position 1536 through coding-DNA position 1552, 58 bases deleted.
Molecular consequence: splice acceptor variant.
Genome position (GRCh38, 1-based): chr16:57,923,364-57,923,421, 58 bases deleted. GRCh37 (hg19): chr16:57,957,268-57,957,325.
Other names: c.1518-41_1534del (NM_001286130.2).
Identifiers: ClinVar variation 3693686 (VCV003693686.3).

ClinVar aggregate classification (germline): Likely pathogenic. Review status: criteria provided, multiple submitters, no conflicts (2 of 4 stars). 2 submissions from 2 submitters: Likely pathogenic (2). Last evaluated 2025-12-23.

Conditions:
CNGB1-related disorder. Also called: CNGB1-related condition.

Submissions (2):

Labcorp Genetics (formerly Invitae), Labcorp
Classification: Likely pathogenic. Last evaluated: 2025-12-23. Review status: criteria provided, single submitter. Criteria: Invitae Variant Classification Sherloc (09022015). Collection method: clinical testing. Allele origin: germline.
Comment: This variant results in the deletion of part of exon 18 (c.1536-41_1552del ) of the CNGB1 gene. It is expected to disrupt RNA splicing. Variants that disrupt the donor or acceptor splice site typically lead to a loss of protein function (PMID: 16199547), and loss-of-function variants in CNGB1 are known to be pathogenic (PMID: 15557452, 24043777). This variant is present in population databases (no rsID available, gnomAD 0.04%). This variant has been observed in individual(s) with Retinitis pigmentosa (PMID: 33608557). ClinVar contains an entry for this variant (Variation ID: 3693686). In summary, the currently available evidence indicates that the variant is pathogenic, but additional data are needed to prove that conclusively. Therefore, this variant has been classified as Likely Pathogenic.

Blueprint Genetics
Classification: Likely pathogenic for CNGB1-related disorders. Last evaluated: 2019-10-17. Review status: criteria provided, single submitter. Criteria: ACMG Guidelines, 2015. Collection method: clinical testing. Allele origin: germline. Affected: yes. Observed: 3 variant alleles.

Literature cited by the submitters: PubMed 16199547 (cited by Labcorp Genetics (formerly Invitae), Labcorp); PubMed 15557452 (cited by Labcorp Genetics (formerly Invitae), Labcorp); PubMed 24043777 (cited by Labcorp Genetics (formerly Invitae), Labcorp); PubMed 33608557 (cited by Labcorp Genetics (formerly Invitae), Labcorp).